The following is an entry in ClinVar:

NM_001127178.3(PIGG):c.570+5G>A

Gene: PIGG (phosphatidylinositol glycan anchor biosynthesis class G (EMM blood group); plus strand). Cytogenetic location: 4p16.3.
Variant type: single nucleotide variant.
Coding change: c.570+5G>A on transcript NM_001127178.3 (MANE Select); 5 bases into the intron after coding-DNA position 570, G replaced by A.
Molecular consequence: intron variant.
Genome position (GRCh38, 1-based): chr4:505,932, G>A. VCF-style: chr4-505932-G-A. GRCh37 (hg19) VCF-style: chr4-499721-G-A.
Other names: c.-643+5G>A (NM_001345994.2); c.303+5G>A (NM_001345986.2, NM_001345987.2, NM_001289051.2 and 2 more transcripts); c.-918+5G>A (NM_001345991.2); c.-318+5G>A (NM_001345988.2); c.-1056+5G>A (NM_001345990.2); c.570+5G>A (NM_017733.5, NM_001345989.2); c.361-2897G>A (NM_001289052.2); c.204+5G>A (NM_001289055.2).
Identifiers: ClinVar variation 1519358 (VCV001519358.6), dbSNP rs2108789615, ClinGen allele CA2573137544.

ClinVar aggregate classification (germline): Uncertain significance (1 of 4 stars; one submission).

Conditions:
Intellectual disability, autosomal recessive 53 (NEDHSCA). Also called: NEURODEVELOPMENTAL DISORDER WITH OR WITHOUT HYPOTONIA, SEIZURES, AND CEREBELLAR ATROPHY; GLYCOSYLPHOSPHATIDYLINOSITOL BIOSYNTHESIS DEFECT 13; Mental retardation, autosomal recessive 53. Identifiers: Orphanet 488635, MedGen C4310794, MONDO:0014832, OMIM 616917.

Allele frequency attached by ClinVar (database versions not stated): gnomAD exomes below 0.00001.
gnomAD v4.1: 2 of 1,594,802 alleles (0.00013%); highest among the groups gnomAD compares: Non-Finnish European, 0.00017%; no homozygotes.

Submission:

Labcorp Genetics (formerly Invitae), Labcorp
Classification: Uncertain significance for Intellectual disability, autosomal recessive 53. Last evaluated: 2021-03-24. Review status: criteria provided, single submitter. Criteria: Invitae Variant Classification Sherloc (09022015). Collection method: clinical testing. Allele origin: germline.
Comment: Nucleotide substitutions within the consensus splice site are a relatively common cause of aberrant splicing (PMID: 17576681, 9536098). Algorithms developed to predict the effect of sequence changes on RNA splicing suggest that this variant may disrupt the consensus splice site, but this prediction has not been confirmed by published transcriptional studies. This variant has not been reported in the literature in individuals with PIGG-related conditions. This variant is not present in population databases (ExAC no frequency). This sequence change falls in intron 3 of the PIGG gene. It does not directly change the encoded amino acid sequence of the PIGG protein. It affects a nucleotide within the consensus splice site of the intron. In summary, the available evidence is currently insufficient to determine the role of this variant in disease. Therefore, it has been classified as a Variant of Uncertain Significance.

Literature cited by the submitters: PubMed 17576681; PubMed 9536098.